The following is an entry in ClinVar:

ClinVar aggregate classification (germline): Uncertain significance (1 of 4 stars; one submission).

Conditions:
Parathyroid carcinoma (PRTC). Also called: CDC73-Related Parathyroid Carcinoma; Parathyroid gland carcinoma. Identifiers: Orphanet 143, MedGen C0687150, MONDO:0012004, OMIM 608266, HP:0006780.

Submission:

Labcorp Genetics (formerly Invitae), Labcorp
Classification: Uncertain significance for Parathyroid carcinoma. Last evaluated: 2023-09-06. Review status: criteria provided, single submitter. Criteria: Invitae Variant Classification Sherloc (09022015). Collection method: clinical testing. Allele origin: germline.
Comment: In summary, the available evidence is currently insufficient to determine the role of this variant in disease. Therefore, it has been classified as a Variant of Uncertain Significance. Advanced modeling of protein sequence and biophysical properties (such as structural, functional, and spatial information, amino acid conservation, physicochemical variation, residue mobility, and thermodynamic stability) performed at Invitae indicates that this missense variant is not expected to disrupt CDC73 protein function. This variant has not been reported in the literature in individuals affected with CDC73-related conditions. This variant is not present in population databases (gnomAD no frequency). This sequence change replaces valine, which is neutral and non-polar, with leucine, which is neutral and non-polar, at codon 146 of the CDC73 protein (p.Val146Leu).

NM_024529.5(CDC73):c.436G>C (p.Val146Leu)

Gene: CDC73 (cell division cycle 73; plus strand). Cytogenetic location: 1q31.2.
Variant type: single nucleotide variant.
Coding change: c.436G>C on transcript NM_024529.5 (MANE Select); coding-DNA position 436, G replaced by C.
Protein change: p.Val146Leu; replaces valine 146 with leucine.
Molecular consequence: missense variant.
Genome position (GRCh38, 1-based): chr1:193,138,097, G>C. VCF-style: chr1-193138097-G-C. GRCh37 (hg19) VCF-style: chr1-193107227-G-C.
Other names: short protein forms V146L.
Identifiers: ClinVar variation 2867772 (VCV002867772.3), dbSNP rs2527317420, ClinGen allele CA343961050.